The following is an entry in ClinVar:

NM_000453.3(SLC5A5):c.1126C>T (p.Arg376Trp)

Gene: SLC5A5 (solute carrier family 5 member 5; plus strand). Cytogenetic location: 19p13.11.
Variant type: single nucleotide variant.
Coding change: c.1126C>T on transcript NM_000453.3 (MANE Select); coding-DNA position 1126, C replaced by T.
Protein change: p.Arg376Trp; replaces arginine 376 with tryptophan.
Molecular consequence: missense variant.
Genome position (GRCh38, 1-based): chr19:17,882,027, C>T. VCF-style: chr19-17882027-C-T. GRCh37 (hg19) VCF-style: chr19-17992836-C-T.
Other names: short protein forms R376W.
Identifiers: ClinVar variation 2429037 (VCV002429037.4), dbSNP rs375999547, ClinGen allele CA9303020.

ClinVar aggregate classification (germline): Uncertain significance (1 of 4 stars; one submission).

Allele frequency attached by ClinVar (database versions not stated): ESP Exome Variant Server 0.00008; gnomAD 0.00003; ExAC 0.00006; TOPMed 0.00005.
gnomAD v4.1: 73 of 1,614,026 alleles (0.0045%); highest among the groups gnomAD compares: Middle Eastern, 0.082%; no homozygotes.

Submission:

Greenwood Genetic Center Diagnostic Laboratories, Greenwood Genetic Center
Classification: Uncertain significance. Last evaluated: 2022-12-19. Review status: criteria provided, single submitter. Criteria: ACMG Guidelines, 2015. Collection method: clinical testing. Allele origin: germline. Affected: yes.
Comment: PM2